The following is an entry in ClinVar:

NM_006922.4(SCN3A):c.5612G>A (p.Arg1871Gln)

Gene: SCN3A (sodium voltage-gated channel alpha subunit 3; minus strand). Cytogenetic location: 2q24.3.
Variant type: single nucleotide variant.
Coding change: c.5612G>A on transcript NM_006922.4 (MANE Select); coding-DNA position 5612, G replaced by A.
Protein change: p.Arg1871Gln; replaces arginine 1871 with glutamine.
Molecular consequence: missense variant.
Genome position (GRCh38, 1-based): chr2:165,090,541, C>T on the plus strand (G>A on the coding strand, the complement: SCN3A is on the minus strand). VCF-style: chr2-165090541-C-T. GRCh37 (hg19) VCF-style: chr2-165947051-C-T.
Other names: c.5465G>A, p.Arg1822Gln (NM_001081676.2, NM_001081677.2); short protein forms R1822Q, R1871Q.
Identifiers: ClinVar variation 1491713 (VCV001491713.7), dbSNP rs2105618139, ClinGen allele CA349010974.

ClinVar aggregate classification (germline): Uncertain significance. Review status: criteria provided, multiple submitters, no conflicts (2 of 4 stars). 2 submissions from 2 submitters: Uncertain significance (2). Last evaluated 2024-12-02.

Conditions:
Developmental and epileptic encephalopathy, 62. Also called: Early infantile epileptic encephalopathy 62. Identifiers: MedGen C4693699, MONDO:0033371, OMIM 617938.
Epilepsy, familial focal, with variable foci 4 (FFEVF4). Identifiers: MedGen C4693694, MONDO:0054776, OMIM 617935.

Allele frequency attached by ClinVar (database versions not stated): gnomAD exomes below 0.00001.
gnomAD v4.1: 6 of 1,613,898 alleles (0.00037%); highest among the groups gnomAD compares: Non-Finnish European, 0.00042%; no homozygotes.

Submissions (2):

Labcorp Genetics (formerly Invitae), Labcorp
Classification: Uncertain significance. Last evaluated: 2024-12-02. Review status: criteria provided, single submitter. Criteria: Invitae Variant Classification Sherloc (09022015). Collection method: clinical testing. Allele origin: germline.
Comment: This sequence change replaces arginine, which is basic and polar, with glutamine, which is neutral and polar, at codon 1871 of the SCN3A protein (p.Arg1871Gln). This variant is not present in population databases (gnomAD no frequency). This variant has not been reported in the literature in individuals affected with SCN3A-related conditions. ClinVar contains an entry for this variant (Variation ID: 1491713). Invitae Evidence Modeling of protein sequence and biophysical properties (such as structural, functional, and spatial information, amino acid conservation, physicochemical variation, residue mobility, and thermodynamic stability) has been performed for this missense variant. However, the output from this modeling did not meet the statistical confidence thresholds required to predict the impact of this variant on SCN3A protein function. In summary, the available evidence is currently insufficient to determine the role of this variant in disease. Therefore, it has been classified as a Variant of Uncertain Significance.

Fulgent Genetics
Classification: Uncertain significance for Epilepsy, familial focal, with variable foci 4; Developmental and epileptic encephalopathy, 62. Last evaluated: 2024-02-26. Review status: criteria provided, single submitter. Criteria: ACMG Guidelines, 2015. Collection method: clinical testing. Allele origin: germline.